The following is an entry in ClinVar:

NM_018006.5(TRMU):c.437dup (p.Pro147fs)

Gene: TRMU (tRNA mitochondrial 2-thiouridylase; plus strand). Cytogenetic location: 22q13.31.
Variant type: Duplication.
Coding change: c.437dup on transcript NM_018006.5 (MANE Select); coding-DNA position 437, one base duplicated (A; older notation c.437dupA).
Protein change: p.Pro147fs; shifts the reading frame from proline 147.
Molecular consequence: frameshift variant. On other transcripts: non-coding transcript variant (2).
Genome position (GRCh38, 1-based): chr22:46,346,503, A duplicated; the last of 2 consecutive A bases (chr22:46,346,502-46,346,503); duplicating either gives the same sequence. VCF-style (leftmost placement, unchanged base first): chr22-46346501-G-GA. GRCh37 (hg19) VCF-style: chr22-46742398-G-GA.
Other names: c.95dup, p.Pro33fs (NM_001282782.2); c.76dup, p.Ser26fs (NM_001282783.2, NM_001282784.2); c.437dup, p.Pro147fs (NM_001282785.2); short protein forms P147fs, P33fs, S26fs.
Identifiers: ClinVar variation 5012077 (VCV005012077.1).

ClinVar aggregate classification (germline): Pathogenic (1 of 4 stars; one submission).

Conditions:
Acute infantile liver failure due to synthesis defect of mtDNA-encoded proteins. Also called: Liver failure acute infantile; LIVER FAILURE, INFANTILE, TRANSIENT; TRMU Deficiency. Identifiers: Orphanet 217371, MedGen C3278664, MONDO:0013111, OMIM 613070.

Submission:

Myriad Genetics, Inc.
Classification: Pathogenic for Acute infantile liver failure due to synthesis defect of mtDNA-encoded proteins. Last evaluated: 2023-09-27. Review status: criteria provided, single submitter. Criteria: Myriad Autosomal Dominant, Autosomal Recessive and X-Linked Classification Criteria (2023). Collection method: clinical testing. Allele origin: unknown.
Comment: NM_018006.4(TRMU):c.437dupA(P147Afs*10) is expected to be pathogenic in the context of acute liver failure, TRMU-related. This variant is predicted to lead to an abnormal or absent protein product due to the creation of a premature termination codon in TRMU, a gene where loss-of-function variants are known to be pathogenic. Please note: this variant was assessed in the context of healthy population screening.